The following is an entry in ClinVar:

ClinVar aggregate classification (germline): Uncertain significance (1 of 4 stars; one submission).

Allele frequency attached by ClinVar (database versions not stated): gnomAD exomes below 0.00001; ExAC 0.00001.
gnomAD v4.1: 1 of 1,509,960 alleles (0.000066%); highest among the groups gnomAD compares: Non-Finnish European, 0.000089%; no homozygotes.

Submission:

Ambry Genetics
Classification: Uncertain significance. Last evaluated: 2021-08-15. Review status: criteria provided, single submitter. Criteria: Ambry Variant Classification Scheme 2023. Collection method: clinical testing. Allele origin: germline.
Comment: The p.K1081M variant (also known as c.3242A>T), located in coding exon 25 of the BUB1 gene, results from an A to T substitution at nucleotide position 3242. The lysine at codon 1081 is replaced by methionine, an amino acid with similar properties. This amino acid position is conserved. In addition, this alteration is predicted to be tolerated by in silico analysis. Since supporting evidence is limited at this time, the clinical significance of this alteration remains unclear.

NM_004336.5(BUB1):c.3242A>T (p.Lys1081Met)

Gene: BUB1 (BUB1 mitotic checkpoint serine/threonine kinase; minus strand). Cytogenetic location: 2q13.
Variant type: single nucleotide variant.
Coding change: c.3242A>T on transcript NM_004336.5 (MANE Select); coding-DNA position 3242, A replaced by T.
Protein change: p.Lys1081Met; replaces lysine 1081 with methionine.
Molecular consequence: missense variant.
Genome position (GRCh38, 1-based): chr2:110,637,980, T>A on the plus strand (A>T on the coding strand, the complement: BUB1 is on the minus strand). VCF-style: chr2-110637980-T-A. GRCh37 (hg19) VCF-style: chr2-111395557-T-A.
Other names: c.3182A>T, p.Lys1061Met (NM_001278616.2); c.3071A>T, p.Lys1024Met (NM_001278617.2); short protein forms K1024M, K1081M, K1061M.
Identifiers: ClinVar variation 1729313 (VCV001729313.2), dbSNP rs761394321, ClinGen allele CA1827615.
Genomic context (GRCh38, chr2:110,637,980, plus strand): 5'-TCATATTTACAGTGTGATTTTTAAGGACTGTCTATATCCAAATTTTATTTTCGTGAACGC[T>A]TACATTCTAAGAGCAGTACAATTAGCCTATTACGTAGGGCCCTAATCTTGTTAGTATAGT-3'
Protein context (NP_004327.1, residues 1071-1085): NRLIVLLLEC[Lys1081Met]RSRK